The following is an entry in ClinVar:

NM_016239.4(MYO15A):c.642C>T (p.Phe214=)

Gene: MYO15A (myosin XVA; plus strand). Cytogenetic location: 17p11.2.
Variant type: single nucleotide variant.
Coding change: c.642C>T on transcript NM_016239.4 (MANE Select); coding-DNA position 642, C replaced by T.
Protein change: p.Phe214=; no amino-acid change (phenylalanine 214 retained).
Molecular consequence: synonymous variant.
Genome position (GRCh38, 1-based): chr17:18,119,442, C>T. VCF-style: chr17-18119442-C-T. GRCh37 (hg19) VCF-style: chr17-18022756-C-T.
Identifiers: ClinVar variation 322110 (VCV000322110.12), dbSNP rs766970263, ClinGen allele CA8422899.
Genomic context (GRCh38, chr17:18,119,442, plus strand): 5'-CAGCATCTACGCGTCAGGCGAGCCCCTGGGCTTCCTGCCCTTCGAGGACGAGGCCCCATT[C>T]CATCACTCGGGCTCCCGCAAGTCGCTGTACGGGCTTGAGGGCTTCCAGGACCTGGGCGAG-3'
Protein context (NP_057323.3, residues 204-224): GFLPFEDEAP[Phe214=]HHSGSRKSLY

ClinVar aggregate classification (germline): Conflicting classifications of pathogenicity. Review status: criteria provided, conflicting classifications (1 of 4 stars). 3 submissions from 3 submitters: Uncertain significance (1); Likely benign (2). Last evaluated 2024-01-17.

Conditions:
Autosomal recessive nonsyndromic hearing loss 3. Also called: NEUROSENSORY NONSYNDROMIC RECESSIVE DEAFNESS 3. Identifiers: Orphanet 90636, MedGen C1838263, MONDO:0010860, OMIM 600316.

Allele frequency attached by ClinVar (database versions not stated): TOPMed 0.00007; gnomAD 0.00009; gnomAD exomes 0.00009 and 0.00015; ExAC 0.00012.
gnomAD v4.1: 229 of 1,612,466 alleles (0.014%); highest among the groups gnomAD compares: Non-Finnish European, 0.019%; no homozygotes.

Submissions (3):

Labcorp Genetics (formerly Invitae), Labcorp
Classification: Likely benign. Last evaluated: 2024-01-17. Review status: criteria provided, single submitter. Criteria: Invitae Variant Classification Sherloc (09022015). Collection method: clinical testing. Allele origin: germline.

Illumina Laboratory Services, Illumina
Classification: Uncertain significance for Autosomal recessive nonsyndromic hearing loss 3. Last evaluated: 2018-01-13. Review status: criteria provided, single submitter. Criteria: ICSL Variant Classification Criteria 13 December 2019. Collection method: clinical testing. Allele origin: germline.

Laboratory for Molecular Medicine, Mass General Brigham Personalized Medicine
Classification: Likely benign. Last evaluated: 2017-08-23. Review status: criteria provided, single submitter. Criteria: LMM Criteria. Collection method: clinical testing. Allele origin: germline. Observed: 1 variant allele.
Comment: p.Phe214Phe in exon 2 of MYO15A: This variant is not expected to have clinical s ignificance because it does not alter an amino acid residue and is not located w ithin the splice consensus sequence. It has been identified in 0.02% (14/63938) of European chromosomes by the Exome Aggregation Consortium (ExAC; dbSNP rs766970263).